The following is an entry in ClinVar:

NM_001079802.2(FKTN):c.998T>C (p.Leu333Ser)

Gene: FKTN (fukutin; plus strand). Cytogenetic location: 9q31.2.
Variant type: single nucleotide variant.
Coding change: c.998T>C on transcript NM_001079802.2 (MANE Select); coding-DNA position 998, T replaced by C.
Protein change: p.Leu333Ser; replaces leucine 333 with serine.
Molecular consequence: missense variant. On other transcripts: non-coding transcript variant (1).
Genome position (GRCh38, 1-based): chr9:105,618,046, T>C. VCF-style: chr9-105618046-T-C. GRCh37 (hg19) VCF-style: chr9-108380327-T-C.
Other names: c.998T>C, p.Leu333Ser (NM_001198963.2, NM_001351496.2, NM_001351498.2 and 1 more transcripts); c.929T>C, p.Leu310Ser (NM_001351497.2); c.602T>C, p.Leu201Ser (NM_001351499.2, NM_001351500.2, NM_001351501.2 and 1 more transcripts); short protein forms L201S, L310S, L333S.
Identifiers: ClinVar variation 2123258 (VCV002123258.4), dbSNP rs2539711496, ClinGen allele CA374377576.

ClinVar aggregate classification (germline): Uncertain significance (1 of 4 stars; one submission).

Conditions:
Walker-Warburg congenital muscular dystrophy. Also called: Muscular dystrophy-dystroglycanopathy, type A; Walker-Warburg syndrome. Identifiers: Orphanet 899, MedGen C0265221, MONDO:0000171.

Allele frequency attached by ClinVar (database versions not stated): gnomAD exomes below 0.00001.
gnomAD v4.1: 1 of 1,610,212 alleles (0.000062%); highest among the groups gnomAD compares: Non-Finnish European, 0.000085%; no homozygotes.

Submission:

Labcorp Genetics (formerly Invitae), Labcorp
Classification: Uncertain significance for Walker-Warburg congenital muscular dystrophy. Last evaluated: 2022-04-08. Review status: criteria provided, single submitter. Criteria: Invitae Variant Classification Sherloc (09022015). Collection method: clinical testing. Allele origin: germline.
Comment: In summary, the available evidence is currently insufficient to determine the role of this variant in disease. Therefore, it has been classified as a Variant of Uncertain Significance. Algorithms developed to predict the effect of missense changes on protein structure and function output the following: SIFT: "Tolerated"; PolyPhen-2: "Benign"; Align-GVGD: "Class C0". The serine amino acid residue is found in multiple mammalian species, which suggests that this missense change does not adversely affect protein function. This variant has not been reported in the literature in individuals affected with FKTN-related conditions. This variant is not present in population databases (gnomAD no frequency). This sequence change replaces leucine, which is neutral and non-polar, with serine, which is neutral and polar, at codon 333 of the FKTN protein (p.Leu333Ser).